The following is an entry in ClinVar:

NM_025114.4(CEP290):c.5854A>T (p.Lys1952Ter)

Gene: CEP290 (centrosomal protein 290; minus strand). Cytogenetic location: 12q21.32.
Variant type: single nucleotide variant.
Coding change: c.5854A>T on transcript NM_025114.4 (MANE Select); coding-DNA position 5854, A replaced by T.
Protein change: p.Lys1952Ter; replaces lysine 1952 with a stop codon.
Molecular consequence: nonsense.
Genome position (GRCh38, 1-based): chr12:88,071,782, T>A on the plus strand (A>T on the coding strand, the complement: CEP290 is on the minus strand). VCF-style: chr12-88071782-T-A. GRCh37 (hg19) VCF-style: chr12-88465559-T-A.
Other names: short protein forms K1952*.
Identifiers: ClinVar variation 1453772 (VCV001453772.6), dbSNP rs2035393800, ClinGen allele CA385984307.

ClinVar aggregate classification (germline): Pathogenic (1 of 4 stars; one submission).

Conditions:
Nephronophthisis. Also called: Juvenile Nephronophthisis. Identifiers: Orphanet 655, MedGen C0687120, MONDO:0019005, HP:0000090.
Meckel-Gruber syndrome. Also called: DYSENCEPHALIA SPLANCHNOCYSTICA; GRUBER SYNDROME; Dysencephalia splachnocystica. Identifiers: Orphanet 564, MedGen C0265215, MONDO:0018921.
Joubert syndrome. Also called: CEREBELLOPARENCHYMAL DISORDER IV; JOUBERT-BOLTSHAUSER SYNDROME; Familial aplasia of the vermis. Identifiers: Orphanet 475, MedGen C5979921, MONDO:0018772.

Submission:

Labcorp Genetics (formerly Invitae), Labcorp
Classification: Pathogenic for Joubert syndrome; Meckel-Gruber syndrome; Nephronophthisis. Last evaluated: 2020-12-16. Review status: criteria provided, single submitter. Criteria: Invitae Variant Classification Sherloc (09022015). Collection method: clinical testing. Allele origin: germline.
Comment: For these reasons, this variant has been classified as Pathogenic. This sequence change creates a premature translational stop signal (p.Lys1952*) in the CEP290 gene. It is expected to result in an absent or disrupted protein product. Loss-of-function variants in CEP290 are known to be pathogenic (PMID: 16909394, 17345604, 20690115, 25377065, 28559085). This variant is not present in population databases (ExAC no frequency). This variant has not been reported in the literature in individuals with CEP290-related conditions. Algorithms developed to predict the effect of sequence changes on RNA splicing suggest that this variant may disrupt the consensus splice site, but this prediction has not been confirmed by published transcriptional studies.

Literature cited by the submitters: PubMed 16909394; PubMed 17345604; PubMed 20690115; PubMed 25377065; PubMed 28559085.